The following is an entry in ClinVar:

ClinVar aggregate classification (germline): Uncertain significance (1 of 4 stars; one submission).

Conditions:
Hereditary breast ovarian cancer syndrome. Also called: Hereditary breast and ovarian cancer syndrome (HBOC); Breast and ovarian cancer; BRCA1- and BRCA2-Associated Hereditary Breast and Ovarian Cancer; Hereditary breast and ovarian cancer syndrome; Hereditary breast and ovarian cancer; Hereditary breast and/or ovarian cancer syndrome. Identifiers: Orphanet 145, MedGen C0677776, MeSH D061325, MONDO:0003582. Disease mechanism: loss of function.

Submission:

Labcorp Genetics (formerly Invitae), Labcorp
Classification: Uncertain significance for Hereditary breast ovarian cancer syndrome. Last evaluated: 2023-03-12. Review status: criteria provided, single submitter. Criteria: Invitae Variant Classification Sherloc (09022015). Collection method: clinical testing. Allele origin: germline.
Comment: In summary, the available evidence is currently insufficient to determine the role of this variant in disease. Therefore, it has been classified as a Variant of Uncertain Significance. This sequence change replaces tyrosine, which is neutral and polar, with phenylalanine, which is neutral and non-polar, at codon 57 of the BRCA2 protein (p.Tyr57Phe). This variant is not present in population databases (gnomAD no frequency). This variant has not been reported in the literature in individuals affected with BRCA2-related conditions. Advanced modeling of protein sequence and biophysical properties (such as structural, functional, and spatial information, amino acid conservation, physicochemical variation, residue mobility, and thermodynamic stability) performed at Invitae indicates that this missense variant is not expected to disrupt BRCA2 protein function.

NM_000059.4(BRCA2):c.170A>T (p.Tyr57Phe)

Gene: BRCA2 (BRCA2 DNA repair associated; plus strand). Cytogenetic location: 13q13.1.
Variant type: single nucleotide variant.
Coding change: c.170A>T on transcript NM_000059.4 (MANE Select); coding-DNA position 170, A replaced by T.
Protein change: p.Tyr57Phe; replaces tyrosine 57 with phenylalanine.
Molecular consequence: missense variant. On other transcripts: 5 prime UTR variant (1), non-coding transcript variant (1).
Genome position (GRCh38, 1-based): chr13:32,319,179, A>T. VCF-style: chr13-32319179-A-T. GRCh37 (hg19) VCF-style: chr13-32893316-A-T.
Other names: c.170A>T, p.Tyr57Phe (NM_001406719.1, NM_001406720.1, NM_001406721.1); c.-200A>T (NM_001406722.1); short protein forms Y57F.
Identifiers: ClinVar variation 2845030 (VCV002845030.3), dbSNP rs2138704502, ClinGen allele CA387754328.